The following is an entry in ClinVar:

ClinVar aggregate classification (germline): Conflicting classifications of pathogenicity. Review status: criteria provided, conflicting classifications (1 of 4 stars). 2 submissions from 2 submitters: Uncertain significance (1); Likely benign (1). Last evaluated 2024-09-12.

Conditions:
Ehlers-Danlos syndrome, type 4 (EDSVASC). Also called: Ehlers-Danlos syndrome vascular type; Ehlers Danlos syndrome, ecchymotic type; Ehlers Danlos syndrome, arterial type; Ehlers Danlos syndrome, Sack-Barabas type; Ehlers-Danlos Syndrome Type IV. Identifiers: Orphanet 286, MedGen C0268338, MONDO:0017314, OMIM 130050.
Familial thoracic aortic aneurysm and aortic dissection (TAAD). Also called: Thoracic aortic aneurysms and dissections. Identifiers: Orphanet 91387, MedGen C4707243, MONDO:0019625.

Allele frequency attached by ClinVar (database versions not stated): TOPMed below 0.00001; gnomAD 0.00001.
gnomAD v4.1: 2 of 1,614,054 alleles (0.00012%); highest among the groups gnomAD compares: Non-Finnish European, 0.00017%; no homozygotes.

Submissions (2):

Color Diagnostics, LLC DBA Color Health
Classification: Likely benign for Familial thoracic aortic aneurysm and aortic dissection. Last evaluated: 2024-09-12. Review status: criteria provided, single submitter. Criteria: ACMG Guidelines, 2015. Collection method: clinical testing. Allele origin: germline.

Labcorp Genetics (formerly Invitae), Labcorp
Classification: Uncertain significance for Ehlers-Danlos syndrome, type 4. Last evaluated: 2022-05-29. Review status: criteria provided, single submitter. Criteria: Invitae Variant Classification Sherloc (09022015). Collection method: clinical testing. Allele origin: germline.
Comment: This sequence change replaces alanine, which is neutral and non-polar, with serine, which is neutral and polar, at codon 1213 of the COL3A1 protein (p.Ala1213Ser). This variant is not present in population databases (gnomAD no frequency). This variant has not been reported in the literature in individuals affected with COL3A1-related conditions. ClinVar contains an entry for this variant (Variation ID: 1331754). Advanced modeling of protein sequence and biophysical properties (such as structural, functional, and spatial information, amino acid conservation, physicochemical variation, residue mobility, and thermodynamic stability) performed at Invitae indicates that this missense variant is not expected to disrupt COL3A1 protein function. In summary, the available evidence is currently insufficient to determine the role of this variant in disease. Therefore, it has been classified as a Variant of Uncertain Significance.

NM_000090.4(COL3A1):c.3637G>T (p.Ala1213Ser)

Gene: COL3A1 (collagen type III alpha 1 chain; plus strand). Cytogenetic location: 2q32.2.
Variant type: single nucleotide variant.
Coding change: c.3637G>T on transcript NM_000090.4 (MANE Select); coding-DNA position 3637, G replaced by T.
Protein change: p.Ala1213Ser; replaces alanine 1213 with serine.
Molecular consequence: missense variant.
Genome position (GRCh38, 1-based): chr2:189,009,035, G>T. VCF-style: chr2-189009035-G-T. GRCh37 (hg19) VCF-style: chr2-189873761-G-T.
Other names: short protein forms A1213S.
Identifiers: ClinVar variation 1331754 (VCV001331754.5), dbSNP rs1427744978, ClinGen allele CA349846813.